The following is an entry in ClinVar:

ClinVar aggregate classification (germline): Likely benign. Review status: criteria provided, multiple submitters, no conflicts (2 of 4 stars). 2 submissions from 2 submitters: Likely benign (2). Last evaluated 2024-03-01.

Conditions:
Neuronal ceroid lipofuscinosis. Also called: Neuronal Ceroid Lipofuscinoses. Identifiers: Orphanet 216, Orphanet 79263, MedGen C0027877, MONDO:0016295. Disease mechanism: loss of function.

Allele frequency attached by ClinVar (database versions not stated): ExAC 0.00001; gnomAD 0.00001; TOPMed 0.00001; gnomAD exomes 0.00002.
gnomAD v4.1: 2 of 1,597,710 alleles (0.00013%); highest among the groups gnomAD compares: East Asian, 0.0022%; no homozygotes.

Submissions (2):

Labcorp Genetics (formerly Invitae), Labcorp
Classification: Likely benign for Neuronal ceroid lipofuscinosis. Last evaluated: 2024-03-01. Review status: criteria provided, single submitter. Criteria: Invitae Variant Classification Sherloc (09022015). Collection method: clinical testing. Allele origin: germline.

GeneDx
Classification: Likely benign. Last evaluated: 2016-12-27. Review status: criteria provided, single submitter. Criteria: GeneDx Variant Classification (06012015). Collection method: clinical testing. Allele origin: germline. Affected: yes.
Comment: This variant is considered likely benign or benign based on one or more of the following criteria: it is a conservative change, it occurs at a poorly conserved position in the protein, it is predicted to be benign by multiple in silico algorithms, and/or has population frequency not consistent with disease.

NM_001909.5(CTSD):c.472-15T>C

Gene: CTSD (cathepsin D; minus strand). Cytogenetic location: 11p15.5.
Variant type: single nucleotide variant.
Coding change: c.472-15T>C on transcript NM_001909.5 (MANE Select); 15 bases into the intron before coding-DNA position 472, T replaced by C.
Molecular consequence: intron variant.
Genome position (GRCh38, 1-based): chr11:1,757,571, A>G on the plus strand (T>C on the coding strand, the complement: CTSD is on the minus strand). VCF-style: chr11-1757571-A-G. GRCh37 (hg19) VCF-style: chr11-1778801-A-G.
Identifiers: ClinVar variation 392000 (VCV000392000.8), dbSNP rs758874267, ClinGen allele CA5814158.